The following is an entry in ClinVar:

ClinVar aggregate classification (germline): Uncertain significance. Review status: criteria provided, multiple submitters, no conflicts (2 of 4 stars). 4 submissions from 4 submitters: Uncertain significance (4). Last evaluated 2025-08-18.

Conditions:
Progressive sclerosing poliodystrophy (MTDPS4A). Also called: Alpers-Huttenlocher Syndrome (AHS); Alpers Syndrome; ALPERS PROGRESSIVE INFANTILE POLIODYSTROPHY; Mitochondrial DNA depletion syndrome 4A (Alpers type); ALPERS DIFFUSE DEGENERATION OF CEREBRAL GRAY MATTER WITH HEPATIC CIRRHOSIS; Alpers-Huttenlocher Syndrome. Identifiers: Orphanet 726, MedGen C0205710, MONDO:0008758, OMIM 203700.

Allele frequency attached by ClinVar (database versions not stated): gnomAD exomes below 0.00001; gnomAD 0.00001; TOPMed 0.00001.
gnomAD v4.1: 12 of 1,613,422 alleles (0.00074%); highest among the groups gnomAD compares: Admixed American, 0.005%; no homozygotes.

Submissions (4):

Labcorp Genetics (formerly Invitae), Labcorp
Classification: Uncertain significance for Progressive sclerosing poliodystrophy. Last evaluated: 2025-08-18. Review status: criteria provided, single submitter. Criteria: Invitae Variant Classification Sherloc (09022015). Collection method: clinical testing. Allele origin: germline.
Comment: This sequence change replaces histidine, which is basic and polar, with arginine, which is basic and polar, at codon 828 of the POLG protein (p.His828Arg). This variant is present in population databases (rs533807211, gnomAD 0.003%). This variant has not been reported in the literature in individuals affected with POLG-related conditions. ClinVar contains an entry for this variant (Variation ID: 619417). An algorithm developed to predict the effect of missense changes on protein structure and function (PolyPhen-2) suggests that this variant is likely to be disruptive. In summary, the available evidence is currently insufficient to determine the role of this variant in disease. Therefore, it has been classified as a Variant of Uncertain Significance.

Mayo Clinic Laboratories, Mayo Clinic
Classification: Uncertain significance. Last evaluated: 2025-03-18. Review status: criteria provided, single submitter. Criteria: ACMG Guidelines, 2015. Collection method: clinical testing. Allele origin: germline. Observed: 1 variant allele.
Comment: PP3

ARUP Laboratories, Molecular Genetics and Genomics, ARUP Laboratories
Classification: Uncertain significance. Last evaluated: 2024-04-10. Review status: criteria provided, single submitter. Criteria: ARUP Molecular Germline Variant Investigation Process 2024. Collection method: clinical testing. Allele origin: germline.

Wong Mito Lab, Molecular and Human Genetics, Baylor College of Medicine
Classification: Uncertain significance for Progressive sclerosing poliodystrophy. Last evaluated: 2018-10-01. Review status: criteria provided, single submitter. Criteria: ACMG Guidelines, 2015. Collection method: clinical testing. Allele origin: germline.
Comment: The NM_002693.2:c.2483A>G (NP_002684.1:p.His828Arg) [GRCH38: NC_000015.10:g.89321851T>C] variant in POLG gene is interpretated to be a Uncertain Significance based on ACMG guidelines (PMID: 25741868). This variant meets the following evidence codes reported in the ACMG-guideline. PM1:This variant is in mutational hot spot or a well-studied functional domain without benign variation. PM2:This variant is absent in key population databases. PP2:This is a missense variant in POLG with a low rate of benign and high rate of pathogenic missense variations. BP4:Computational evidence/predictors indicate no impact on the POLG structure, function, or protein-protein interaction. Based on the evidence criteria codes applied, the variant is suggested to be Uncertain Significance.

NM_002693.3(POLG):c.2483A>G (p.His828Arg)

Gene: POLG (DNA polymerase gamma, catalytic subunit; minus strand). Cytogenetic location: 15q26.1.
Variant type: single nucleotide variant.
Coding change: c.2483A>G on transcript NM_002693.3 (MANE Select); coding-DNA position 2483, A replaced by G.
Protein change: p.His828Arg; replaces histidine 828 with arginine.
Molecular consequence: missense variant.
Genome position (GRCh38, 1-based): chr15:89,321,851, T>C on the plus strand (A>G on the coding strand, the complement: POLG is on the minus strand). VCF-style: chr15-89321851-T-C. GRCh37 (hg19) VCF-style: chr15-89865082-T-C.
Other names: p.His828Arg; c.2483A>G, p.His828Arg (NM_001126131.2); short protein forms H828R.
Identifiers: ClinVar variation 619417 (VCV000619417.10), dbSNP rs533807211, ClinGen allele CA10602230.